The following is an entry in ClinVar:

ClinVar aggregate classification (germline): Uncertain significance (1 of 4 stars; one submission).

Conditions:
Familial adenomatous polyposis 1 (FAP1). Also called: FAMILIAL ADENOMATOUS POLYPOSIS 1, ATTENUATED; POLYPOSIS, ADENOMATOUS INTESTINAL. Identifiers: MedGen C2713442, MONDO:0021056, OMIM 175100. Disease mechanism: loss of function.

Submission:

Labcorp Genetics (formerly Invitae), Labcorp
Classification: Uncertain significance for Familial adenomatous polyposis 1. Last evaluated: 2024-04-23. Review status: criteria provided, single submitter. Criteria: Invitae Variant Classification Sherloc (09022015). Collection method: clinical testing. Allele origin: germline.
Comment: This variant, c.2936_2938dup, results in the insertion of 1 amino acid(s) of the APC protein (p.Met979dup), but otherwise preserves the integrity of the reading frame. This variant is not present in population databases (gnomAD no frequency). This variant has not been reported in the literature in individuals affected with APC-related conditions. ClinVar contains an entry for this variant (Variation ID: 1016160). Experimental studies and prediction algorithms are not available or were not evaluated, and the functional significance of this variant is currently unknown. In summary, the available evidence is currently insufficient to determine the role of this variant in disease. Therefore, it has been classified as a Variant of Uncertain Significance.

NM_000038.6(APC):c.2936_2938dup (p.Met979dup)

Gene: APC (APC regulator of Wnt signaling pathway; plus strand). Cytogenetic location: 5q22.2.
Variant type: Duplication.
Coding change: c.2936_2938dup on transcript NM_000038.6 (MANE Select); coding-DNA positions 2936 to 2938, 3 bases duplicated (TGA; older notation c.2936_2938dupTGA).
Protein change: p.Met979dup; duplicates methionine 979.
Molecular consequence: inframe insertion.
Genome position (GRCh38, 1-based): chr5:112,838,530-112,838,532, TGA duplicated; duplicating any 3 consecutive bases within chr5:112,838,529-112,838,532 gives the same sequence; the c. name uses the placement nearest the transcript's 3' end. VCF-style (leftmost placement, unchanged base first): chr5-112838528-A-AATG. GRCh37 (hg19) VCF-style: chr5-112174225-A-AATG.
Other names: c.2936_2938dup, p.Met979dup (NM_001127510.3, NM_001354895.2); c.2882_2884dup, p.Met961dup (NM_001127511.3); c.2990_2992dup, p.Met997dup (NM_001354896.2); c.2966_2968dup, p.Met989dup (NM_001354897.2); c.2861_2863dup, p.Met954dup (NM_001354898.2); c.2852_2854dup, p.Met951dup (NM_001354899.2); c.2813_2815dup, p.Met938dup (NM_001354900.2); c.2759_2761dup, p.Met920dup (NM_001354901.2); and 5 more.
Identifiers: ClinVar variation 1016160 (VCV001016160.10), dbSNP rs1765299430, ClinGen allele CA1573484973.
Genomic context (GRCh38, chr5:112,838,528, plus strand): 5'-ATCTTCAAATGATAGTTTAAATAGTGTCAGTAGTAGTGATGGTTATGGTAAAAGAGGTCA[A>AATG]ATGAAACCCTCGATTGAATCCTATTCTGAAGATGATGAAAGTAAGTTTTGCAGTTATGGT-3'